The following is an entry in ClinVar:

NM_005611.4(RBL2):c.556C>T (p.Arg186Ter)

Gene: RBL2 (RB transcriptional corepressor like 2; plus strand). Cytogenetic location: 16q12.2.
Variant type: single nucleotide variant.
Coding change: c.556C>T on transcript NM_005611.4 (MANE Select); coding-DNA position 556, C replaced by T.
Protein change: p.Arg186Ter; replaces arginine 186 with a stop codon.
Molecular consequence: nonsense.
Genome position (GRCh38, 1-based): chr16:53,442,842, C>T. VCF-style: chr16-53442842-C-T. GRCh37 (hg19) VCF-style: chr16-53476754-C-T.
Other names: c.556C>T, p.Arg186Ter (NM_001323608.2, NM_001323609.2, NM_001323610.2); c.334C>T, p.Arg112Ter (NM_001323611.1); short protein forms R186*, R112*.
Identifiers: ClinVar variation 1332911 (VCV001332911.3), dbSNP rs2153138545, ClinGen allele CA395912394.
Genomic context (GRCh38, chr16:53,442,842, plus strand): 5'-TATGAACCCATTTTTCAGGACATCTTTAAATACCCTCAAGAGGAGCAACCTCGTCAGCAG[C>T]GAGGAAGGAAACAGCGGTAGGTTTTCTTGTTGGTTCATCAGGAATACACGTTAGTCTGTG-3'

ClinVar aggregate classification (germline): Likely pathogenic. Review status: criteria provided, single submitter (1 of 4 stars). 2 submissions from 2 submitters: Likely pathogenic (1). 1 of the submissions does not count toward it. Last evaluated 2022-06-10.

Conditions:
Brunet-Wagner neurodevelopmental syndrome (BRUWAG). Identifiers: MedGen C5562056, MONDO:0859217, OMIM 619690.

gnomAD v4.1: 1 of 1,611,760 alleles (0.000062%); highest among the groups gnomAD compares: South Asian, 0.0011%; no homozygotes.

Submissions (2):

SIB Swiss Institute of Bioinformatics
Classification: Likely pathogenic for Brunet-Wagner neurodevelopmental syndrome. Last evaluated: 2022-06-10. Review status: criteria provided, single submitter. Criteria: ACMG Guidelines, 2015. Collection method: curation. Allele origin: unknown.
Comment: This variant is interpreted as likely pathogenic for Brunet-Wagner neurodevelopmental syndrome, autosomal recessive. The following ACMG Tag(s) were applied: Absent from controls (or at extremely low frequency if recessive) in Exome Sequencing Project, 1000 Genomes Project, or Exome Aggregation Consortium (PM2); Cosegregation with disease in multiple affected family members in a gene definitively known to cause the disease (PP1); Predicted nullvariant in a gene where LOF is a known mechanism of disease (PVS1 downgraded to strong).

OMIM
Classification: Pathogenic for BRUNET-WAGNER NEURODEVELOPMENTAL SYNDROME. Last evaluated: 2022-01-07. Review status: no assertion criteria provided. Collection method: literature only. Allele origin: germline. Not counted in ClinVar's aggregate classification.

Literature cited by the submitters: PubMed 32105419 (cited by SIB Swiss Institute of Bioinformatics and OMIM).